The following is an entry in ClinVar:

NM_003718.5(CDK13):c.1511C>T (p.Ala504Val)

Gene: CDK13 (cyclin dependent kinase 13; plus strand). Cytogenetic location: 7p14.1.
Variant type: single nucleotide variant.
Coding change: c.1511C>T on transcript NM_003718.5 (MANE Select); coding-DNA position 1511, C replaced by T.
Protein change: p.Ala504Val; replaces alanine 504 with valine.
Molecular consequence: missense variant.
Genome position (GRCh38, 1-based): chr7:39,987,898, C>T. VCF-style: chr7-39987898-C-T. GRCh37 (hg19) VCF-style: chr7-40027497-C-T.
Other names: c.1511C>T, p.Ala504Val (NM_031267.4); short protein forms A504V.
Identifiers: ClinVar variation 3686051 (VCV003686051.3).

ClinVar aggregate classification (germline): Uncertain significance. Review status: criteria provided, multiple submitters, no conflicts (2 of 4 stars). 2 submissions from 2 submitters: Uncertain significance (2). Last evaluated 2025-08-31.

Conditions:
Inborn genetic diseases. Identifiers: MedGen C0950123, MeSH D030342.

gnomAD v4.1: 3 of 1,614,028 alleles (0.00019%); highest among the groups gnomAD compares: African/African-American, 0.004%; 1 homozygote.

Submissions (2):

Ambry Genetics
Classification: Uncertain significance for Inborn genetic diseases. Last evaluated: 2025-08-31. Review status: criteria provided, single submitter. Criteria: Ambry Variant Classification Scheme 2023. Collection method: clinical testing. Allele origin: germline.

Labcorp Genetics (formerly Invitae), Labcorp
Classification: Uncertain significance. Last evaluated: 2024-11-28. Review status: criteria provided, single submitter. Criteria: Invitae Variant Classification Sherloc (09022015). Collection method: clinical testing. Allele origin: germline.
Comment: This sequence change replaces alanine, which is neutral and non-polar, with valine, which is neutral and non-polar, at codon 504 of the CDK13 protein (p.Ala504Val). This variant is not present in population databases (gnomAD no frequency). This variant has not been reported in the literature in individuals affected with CDK13-related conditions. Invitae Evidence Modeling of protein sequence and biophysical properties (such as structural, functional, and spatial information, amino acid conservation, physicochemical variation, residue mobility, and thermodynamic stability) indicates that this missense variant is not expected to disrupt CDK13 protein function with a negative predictive value of 95%. In summary, the available evidence is currently insufficient to determine the role of this variant in disease. Therefore, it has been classified as a Variant of Uncertain Significance.